The following is an entry in ClinVar:

ClinVar aggregate classification (germline): Likely benign (1 of 4 stars; one submission).

gnomAD v4.1: 71 of 1,613,856 alleles (0.0044%); highest among the groups gnomAD compares: Admixed American, 0.12%; no homozygotes.

Submission:

Women's Health and Genetics/Laboratory Corporation of America, LabCorp
Classification: Likely benign. Last evaluated: 2025-05-27. Review status: criteria provided, single submitter. Criteria: LabCorp Variant Classification Summary - May 2015. Collection method: clinical testing. Allele origin: germline.
Comment: Variant summary: TRPA1 c.3252T>G (p.His1084Gln) results in a non-conservative amino acid change in the encoded protein sequence. Algorithms developed to predict the effect of missense changes on protein structure and function are either unavailable or do not agree on the potential impact of this missense change. The variant allele was found at a frequency of 0.00021 in 251052 control chromosomes, predominantly at a frequency of 0.0015 within the Latino subpopulation in the gnomAD database. The observed variant frequency within Latino control individuals in the gnomAD database exceeds the estimated maximal expected allele frequency for a pathogenic variant in TRPA1 causing Familial episodic pain syndrome with predominantly upper body involvement phenotype. To our knowledge, no occurrence of c.3252T>G in individuals affected with Familial episodic pain syndrome with predominantly upper body involvement and no experimental evidence demonstrating its impact on protein function have been reported. No submitters have cited clinical-significance assessments for this variant to ClinVar. Based on the evidence outlined above, the variant was classified as likely benign.

NM_007332.3(TRPA1):c.3252T>G (p.His1084Gln)

Genes: TRPA1 (transient receptor potential cation channel subfamily A member 1; minus strand), MSC-AS1 (MSC antisense RNA 1; plus strand). Cytogenetic location: 8q21.11.
Variant type: single nucleotide variant.
Coding change: c.3252T>G on transcript NM_007332.3 (MANE Select); coding-DNA position 3252, T replaced by G.
Protein change: p.His1084Gln; replaces histidine 1084 with glutamine.
Molecular consequence: missense variant.
Genome position (GRCh38, 1-based): chr8:72,023,014, A>C on the plus strand (T>G on the coding strand, the complement: TRPA1 is on the minus strand). VCF-style: chr8-72023014-A-C. GRCh37 (hg19) VCF-style: chr8-72935249-A-C.
Other names: short protein forms H1084Q.
Identifiers: ClinVar variation 3902684 (VCV003902684.1).